The following is an entry in ClinVar:

ClinVar aggregate classification (germline): Conflicting classifications of pathogenicity. Review status: criteria provided, conflicting classifications (1 of 4 stars). 2 submissions from 2 submitters: Uncertain significance (1); Likely benign (1). Last evaluated 2025-06-09.

Conditions:
Familial temporal lobe epilepsy 7. Identifiers: Orphanet 101046, MedGen C4225327, MONDO:0014639, OMIM 616436.
Norman-Roberts syndrome (LIS2). Also called: Lissencephaly 2 (Norman-Roberts type). Identifiers: Orphanet 89844, MedGen C0796089, MONDO:0009760, OMIM 257320.

Allele frequency attached by ClinVar (database versions not stated): TOPMed 0.00001; gnomAD exomes 0.00002 and 0.00003; ExAC 0.00004.
gnomAD v4.1: 10 of 1,613,834 alleles (0.00062%); highest among the groups gnomAD compares: Admixed American, 0.017%; no homozygotes.

Submissions (2):

Women's Health and Genetics/Laboratory Corporation of America, LabCorp
Classification: Uncertain significance. Last evaluated: 2025-06-09. Review status: criteria provided, single submitter. Criteria: LabCorp Variant Classification Summary - May 2015. Collection method: clinical testing. Allele origin: germline.
Comment: Variant summary: RELN c.1055A>G (p.Asn352Ser) results in a conservative amino acid change in the encoded protein sequence. Algorithms developed to predict the effect of missense changes on protein structure and function are either unavailable or do not agree on the potential impact of this missense change. The variant allele was found at a frequency of 3.2e-05 in 251200 control chromosomes (gnomAD). The available data on variant occurrences in the general population are insufficient to allow any conclusion about variant significance. To our knowledge, no occurrence of c.1055A>G in individuals affected with Epilepsy Familial Temporal Lobe 7 and no experimental evidence demonstrating its impact on protein function have been reported. ClinVar contains an entry for this variant (Variation ID: 656984). Based on the evidence outlined above, the variant was classified as uncertain significance.

Labcorp Genetics (formerly Invitae), Labcorp
Classification: Likely benign for Familial temporal lobe epilepsy 7; Norman-Roberts syndrome. Last evaluated: 2024-04-10. Review status: criteria provided, single submitter. Criteria: Invitae Variant Classification Sherloc (09022015). Collection method: clinical testing. Allele origin: germline.

NM_005045.4(RELN):c.1055A>G (p.Asn352Ser)

Gene: RELN (reelin; minus strand). Cytogenetic location: 7q22.1.
Variant type: single nucleotide variant.
Coding change: c.1055A>G on transcript NM_005045.4 (MANE Select); coding-DNA position 1055, A replaced by G.
Protein change: p.Asn352Ser; replaces asparagine 352 with serine.
Molecular consequence: missense variant.
Genome position (GRCh38, 1-based): chr7:103,697,941, T>C on the plus strand (A>G on the coding strand, the complement: RELN is on the minus strand). VCF-style: chr7-103697941-T-C. GRCh37 (hg19) VCF-style: chr7-103338388-T-C.
Other names: c.1055A>G, p.Asn352Ser (NM_173054.3); short protein forms N352S.
Identifiers: ClinVar variation 656984 (VCV000656984.9), dbSNP rs768851752, ClinGen allele CA4422374.
Genomic context (GRCh38, chr7:103,697,941, plus strand): 5'-CAGTTGCCTGTGTCCACTGGGTCGAGACTATCTTCTAAAACGACTTGTCTGTGAGCTGAA[T>C]TGATGATCAAGATGTTATCTAAGGCCCAGCAGGCTTCATACACTTCACCTACACGAAGAT-3'
Protein context (NP_005036.2, residues 342-362): CWALDNILII[Asn352Ser]SAHRQVVLED